The following is an entry in ClinVar:

NM_001008537.3(NEXMIF):c.3992A>G (p.Gln1331Arg)

Gene: NEXMIF (neurite extension and migration factor; minus strand). Cytogenetic location: Xq13.3.
Variant type: single nucleotide variant.
Coding change: c.3992A>G on transcript NM_001008537.3 (MANE Select); coding-DNA position 3992, A replaced by G.
Protein change: p.Gln1331Arg; replaces glutamine 1331 with arginine.
Molecular consequence: missense variant.
Genome position (GRCh38, 1-based): chrX:74,740,565, T>C on the plus strand (A>G on the coding strand, the complement: NEXMIF is on the minus strand). VCF-style: chrX-74740565-T-C. GRCh37 (hg19) VCF-style: chrX-73960400-T-C.
Other names: short protein forms Q1331R.
Identifiers: ClinVar variation 4698445 (VCV004698445.1).

ClinVar aggregate classification (germline): Uncertain significance (1 of 4 stars; one submission).

Submission:

Labcorp Genetics (formerly Invitae), Labcorp
Classification: Uncertain significance. Last evaluated: 2025-12-15. Review status: criteria provided, single submitter. Criteria: Invitae Variant Classification Sherloc (09022015). Collection method: clinical testing. Allele origin: germline.
Comment: This sequence change replaces glutamine, which is neutral and polar, with arginine, which is basic and polar, at codon 1331 of the NEXMIF protein (p.Gln1331Arg). This variant is not present in population databases (gnomAD no frequency). This variant has not been reported in the literature in individuals affected with NEXMIF-related conditions. An algorithm developed to predict the effect of missense changes on protein structure and function (PolyPhen-2) suggests that this variant is likely to be disruptive. In summary, the available evidence is currently insufficient to determine the role of this variant in disease. Therefore, it has been classified as a Variant of Uncertain Significance.